The following is an entry in ClinVar:

NM_003809.3(TNFSF12):c.375T>A (p.Gly125=)

Genes: TNFSF12 (TNF superfamily member 12; plus strand), TNFSF12-TNFSF13 (TNFSF12-TNFSF13 readthrough; plus strand). Cytogenetic location: 17p13.1.
Variant type: single nucleotide variant.
Coding change: c.375T>A on transcript NM_003809.3 (MANE Select); coding-DNA position 375, T replaced by A.
Protein change: p.Gly125=; no amino-acid change (glycine 125 retained).
Molecular consequence: synonymous variant. On other transcripts: non-coding transcript variant (1).
Genome position (GRCh38, 1-based): chr17:7,556,779, T>A. VCF-style: chr17-7556779-T-A. GRCh37 (hg19) VCF-style: chr17-7460096-T-A.
Other names: c.375T>A, p.Gly125= (NM_172089.4).
Identifiers: ClinVar variation 4701604 (VCV004701604.1).
Genomic context (GRCh38, chr17:7,556,779, plus strand): 5'-GGGAGTGTGGGGGAGTCCTGTAGAGAGACGTTTCCTTATCTCTGAGCATCCGTGTTCAGG[T>A]GTGGACGGGACAGTGAGTGGCTGGGAGGAAGCCAGAATCAACAGCTCCAGCCCTCTGCGC-3'
Protein context (NP_003800.1, residues 115-135): PRPGQDGAQA[Gly125=]VDGTVSGWEE

ClinVar aggregate classification (germline): Uncertain significance (1 of 4 stars; one submission).

Conditions:
Common variable immunodeficiency (CVID). Also called: Common variable hypogamma-globulinemia; Common variable agammaglobulinemia. Identifiers: Orphanet 1572, MedGen C0009447, MONDO:0015517.

Submission:

Labcorp Genetics (formerly Invitae), Labcorp
Classification: Uncertain significance for Common variable immunodeficiency. Last evaluated: 2025-10-08. Review status: criteria provided, single submitter. Criteria: Invitae Variant Classification Sherloc (09022015). Collection method: clinical testing. Allele origin: germline.
Comment: This sequence change affects codon 125 of the TNFSF12 mRNA. It is a 'silent' change, meaning that it does not change the encoded amino acid sequence of the TNFSF12 protein. This variant is present in population databases (rs750728058, gnomAD 0.002%). This variant has not been reported in the literature in individuals affected with TNFSF12-related conditions. Algorithms developed to predict the effect of sequence changes on RNA splicing suggest that this variant may disrupt the consensus splice site. In summary, the available evidence is currently insufficient to determine the role of this variant in disease. Therefore, it has been classified as a Variant of Uncertain Significance.